The following is an entry in ClinVar:

ClinVar aggregate classification (germline): Uncertain significance (1 of 4 stars; one submission).

Allele frequency attached by ClinVar (database versions not stated): gnomAD exomes below 0.00001.
gnomAD v4.1: 1 of 1,614,212 alleles (0.000062%); highest among the groups gnomAD compares: Non-Finnish European, 0.000085%; no homozygotes.

Submission:

Ambry Genetics
Classification: Uncertain significance. Last evaluated: 2024-05-10. Review status: criteria provided, single submitter. Criteria: Ambry Variant Classification Scheme 2023. Collection method: clinical testing. Allele origin: germline.
Comment: The p.L274F variant (also known as c.820C>T), located in coding exon 3 of the ALPK2 gene, results from a C to T substitution at nucleotide position 820. The leucine at codon 274 is replaced by phenylalanine, an amino acid with highly similar properties. This amino acid position is conserved. In addition, this alteration is predicted to be tolerated by in silico analysis. Since supporting evidence is limited at this time, the clinical significance of this alteration remains unclear.

NM_052947.4(ALPK2):c.820C>T (p.Leu274Phe)

Genes: ALPK2 (alpha kinase 2; minus strand), LOC114803473 (ALPK2 eExon liver enhancer; plus strand). Cytogenetic location: 18q21.31.
Variant type: single nucleotide variant.
Coding change: c.820C>T on transcript NM_052947.4 (MANE Select); coding-DNA position 820, C replaced by T.
Protein change: p.Leu274Phe; replaces leucine 274 with phenylalanine.
Molecular consequence: missense variant.
Genome position (GRCh38, 1-based): chr18:58,579,956, G>A on the plus strand (C>T on the coding strand, the complement: ALPK2 is on the minus strand). VCF-style: chr18-58579956-G-A. GRCh37 (hg19) VCF-style: chr18-56247188-G-A.
Other names: short protein forms L274F.
Identifiers: ClinVar variation 1762470 (VCV001762470.3), dbSNP rs2518899797, ClinGen allele CA402567130.
Genomic context (GRCh38, chr18:58,579,956, plus strand): 5'-GTTTGTTGGCCACGGCACTGTCACCTGGGTAAATGTGTGCAGTTGCCTCAGATAGCGGGA[G>A]GCTGAAGCTAATGTATTTCTGTACTTTGGGATTTTGCTGACTAGAGCGTAAGCCTTCATC-3'
Protein context (NP_443179.3, residues 264-284): PKVQKYISFS[Leu274Phe]PLSEATAHIY